The following is an entry in ClinVar:

NM_000051.4(ATM):c.2308G>A (p.Glu770Lys)

Gene: ATM (ATM serine/threonine kinase; plus strand). Cytogenetic location: 11q22.3.
Variant type: single nucleotide variant.
Coding change: c.2308G>A on transcript NM_000051.4 (MANE Select); coding-DNA position 2308, G replaced by A.
Protein change: p.Glu770Lys; replaces glutamic acid 770 with lysine.
Molecular consequence: missense variant.
Genome position (GRCh38, 1-based): chr11:108,257,538, G>A. VCF-style: chr11-108257538-G-A. GRCh37 (hg19) VCF-style: chr11-108128265-G-A.
Other names: c.2308G>A, p.Glu770Lys (NM_001351834.2); c.2308G>A (NM_000051.3); short protein forms E770K.
Identifiers: ClinVar variation 1441942 (VCV001441942.9), dbSNP rs1555075721, ClinGen allele CA382539847.

ClinVar aggregate classification (germline): Uncertain significance. Review status: criteria provided, multiple submitters, no conflicts (2 of 4 stars). 3 submissions from 3 submitters: Uncertain significance (3). Last evaluated 2026-07-21.

Conditions:
Hereditary cancer-predisposing syndrome. Also called: Hereditary Cancer Syndrome; Tumor predisposition; Neoplastic Syndromes, Hereditary; Hereditary neoplastic syndrome. Identifiers: Orphanet 140162, MedGen C0027672, MeSH D009386, MONDO:0015356.
Ataxia-telangiectasia syndrome (AT). Also called: Ataxia-telangiectasia, complementation group D; AT, COMPLEMENTATION GROUP C; ATAXIA-TELANGIECTASIA, COMPLEMENTATION GROUP A; ATAXIA-TELANGIECTASIA, FRESNO VARIANT; Ataxia-telangiectasia; Ataxia-telangiectasia, complementation group E. Identifiers: Orphanet 100, MedGen C0004135, MONDO:0008840, OMIM 208900.

Submissions (3):

Ambry Genetics
Classification: Uncertain significance for Hereditary cancer-predisposing syndrome. Last evaluated: 2026-07-21. Review status: criteria provided, single submitter. Criteria: Ambry Variant Classification Scheme 2023. Collection method: clinical testing. Allele origin: germline.
Comment: The p.E770K variant (also known as c.2308G>A), located in coding exon 14 of the ATM gene, results from a G to A substitution at nucleotide position 2308. The glutamic acid at codon 770 is replaced by lysine, an amino acid with similar properties. In an assay testing ATM function, this variant showed a functionally normal result (Lee KS et al. Cell, 2025 Sep;188:5081-5099.e27). This amino acid position is not well conserved in available vertebrate species. In addition, the in silico prediction for this alteration is inconclusive. Based on the available evidence, the clinical significance of this variant remains unclear.

Color Diagnostics, LLC DBA Color Health
Classification: Uncertain significance for Hereditary cancer-predisposing syndrome. Last evaluated: 2025-07-08. Review status: criteria provided, single submitter. Criteria: ACMG Guidelines, 2015. Collection method: clinical testing. Allele origin: germline.
Comment: This missense variant replaces glutamic acid with lysine at codon 770 of the ATM protein. Computational prediction suggests that this variant may not impact protein structure and function. To our knowledge, functional studies have not been reported for this variant. This variant has not been reported in individuals affected with ATM-related disorders in the literature. This variant has not been identified in the general population by the Genome Aggregation Database (gnomAD). The available evidence is insufficient to determine the role of this variant in disease conclusively. Therefore, this variant is classified as a Variant of Uncertain Significance.

Labcorp Genetics (formerly Invitae), Labcorp
Classification: Uncertain significance for Ataxia-telangiectasia syndrome. Last evaluated: 2024-08-18. Review status: criteria provided, single submitter. Criteria: Invitae Variant Classification Sherloc (09022015). Collection method: clinical testing. Allele origin: germline.
Comment: This sequence change replaces glutamic acid, which is acidic and polar, with lysine, which is basic and polar, at codon 770 of the ATM protein (p.Glu770Lys). This variant is not present in population databases (gnomAD no frequency). This variant has not been reported in the literature in individuals affected with ATM-related conditions. ClinVar contains an entry for this variant (Variation ID: 1441942). An algorithm developed to predict the effect of missense changes on protein structure and function (PolyPhen-2) suggests that this variant is likely to be tolerated. In summary, the available evidence is currently insufficient to determine the role of this variant in disease. Therefore, it has been classified as a Variant of Uncertain Significance.

Literature cited by the submitters: PubMed 40580951 (cited by Ambry Genetics).